The following is an entry in ClinVar:

ClinVar aggregate classification (germline): Uncertain significance. Review status: criteria provided, multiple submitters, no conflicts (2 of 4 stars). 5 submissions from 5 submitters: Uncertain significance (5). Last evaluated 2025-08-31.

Conditions:
Cardiovascular phenotype. Identifiers: MedGen CN230736.
Cardiomyopathy (CMYO). Also called: Cardiomyopathies. Identifiers: Orphanet 167848, MedGen C0878544, MONDO:0004994, HP:0001638. Inheritance: Various modes of inheritance.
Arrhythmogenic right ventricular dysplasia 10. Also called: Arrhythmogenic right ventricular dysplasia/cardiomyopathy, type 10; Arrhythmogenic Right Ventricular Dysplasia/Cardiomyopathy10; ARRHYTHMOGENIC RIGHT VENTRICULAR DYSPLASIA, FAMILIAL, 10. Identifiers: MedGen C1857777, MONDO:0012434, OMIM 610193.
Dilated cardiomyopathy 1BB (CMD1BB). Also called: CARDIOMYOPATHY, DILATED, 1BB, SUSCEPTIBILITY TO. Identifiers: Orphanet 154, MedGen C2752072, MONDO:0013030, OMIM 612877.
Arrhythmogenic right ventricular cardiomyopathy (ARVD). Also called: Cardiomyopathy, ARVC; Arrhythmogenic right ventricular dysplasia; Arrhythmogenic Right Ventricular Cardiomyopathy (ARVC); Arrhythmogenic cardiomyopathy. Identifiers: Orphanet 247, MedGen C0349788, MeSH D019571, MONDO:0016587. Disease mechanism: loss of function. Inheritance: Various modes of inheritance.

Allele frequency attached by ClinVar (database versions not stated): TOPMed below 0.00001; gnomAD exomes 0.00001.
gnomAD v4.1: 7 of 1,263,658 alleles (0.00055%); highest among the groups gnomAD compares: Non-Finnish European, 0.0007%; no homozygotes.

Submissions (5):

Labcorp Genetics (formerly Invitae), Labcorp
Classification: Uncertain significance for Arrhythmogenic right ventricular dysplasia 10. Last evaluated: 2025-08-31. Review status: criteria provided, single submitter. Criteria: Invitae Variant Classification Sherloc (09022015). Collection method: clinical testing. Allele origin: germline.
Comment: This sequence change falls in intron 1 of the DSG2 gene. It does not directly change the encoded amino acid sequence of the DSG2 protein. It affects a nucleotide within the consensus splice site. This variant is not present in population databases (gnomAD no frequency). This variant has not been reported in the literature in individuals affected with DSG2-related conditions. ClinVar contains an entry for this variant (Variation ID: 1359710). Variants that disrupt the consensus splice site are a relatively common cause of aberrant splicing (PMID: 17576681, 9536098). Algorithms developed to predict the effect of sequence changes on RNA splicing suggest that this variant may disrupt the consensus splice site. In summary, the available evidence is currently insufficient to determine the role of this variant in disease. Therefore, it has been classified as a Variant of Uncertain Significance.

All of Us Research Program, National Institutes of Health
Classification: Uncertain significance for Arrhythmogenic right ventricular cardiomyopathy. Last evaluated: 2023-11-02. Review status: criteria provided, single submitter. Criteria: ACMG Guidelines, 2015. Collection method: clinical testing. Allele origin: germline. Inheritance: Autosomal dominant inheritance. Observed: 1 variant allele, 1 heterozygote.
Comment: This variant causes a G to C nucleotide substitution at the +5 position of intron 1 of the DSG2 gene. Splice site prediction tools predict that this variant may have a significant impact on RNA splicing. To our knowledge, RNA studies have not been reported for this variant. This variant has not been reported in individuals affected with cardiovascular disorders in the literature. This variant has not been identified in the general population by the Genome Aggregation Database (gnomAD). The available evidence is insufficient to determine the role of this variant in disease conclusively. Therefore, this variant is classified as a Variant of Uncertain Significance.

This study involves interpretation of variants in research participants for the purpose of population health screening. Participant phenotype was not available at the time of variant classification. Additional details can be found in publication PMID: 35346344, PMCID: PMC8962531

Color Diagnostics, LLC DBA Color Health
Classification: Uncertain significance for Cardiomyopathy. Last evaluated: 2023-10-19. Review status: criteria provided, single submitter. Criteria: ACMG Guidelines, 2015. Collection method: clinical testing. Allele origin: germline.
Comment: This variant causes a G to C nucleotide substitution at the +5 position of intron 1 of the DSG2 gene. Splice site prediction tools predict that this variant may have a significant impact on RNA splicing. To our knowledge, RNA studies have not been reported for this variant. This variant has not been reported in individuals affected with cardiovascular disorders in the literature. This variant has not been identified in the general population by the Genome Aggregation Database (gnomAD). The available evidence is insufficient to determine the role of this variant in disease conclusively. Therefore, this variant is classified as a Variant of Uncertain Significance.

Ambry Genetics
Classification: Uncertain significance for Cardiovascular phenotype. Last evaluated: 2021-09-16. Review status: criteria provided, single submitter. Criteria: Ambry Variant Classification Scheme 2023. Collection method: clinical testing. Allele origin: germline.
Comment: The c.45+5G>C intronic variant results from a G to C substitution 5 nucleotides after coding exon 1 in the DSG2 gene. This nucleotide position is well conserved in available vertebrate species. In silico splice site analysis predicts that this alteration may weaken the native splice donor site. Since supporting evidence is limited at this time, the clinical significance of this alteration remains unclear.

Fulgent Genetics
Classification: Uncertain significance for Arrhythmogenic right ventricular dysplasia 10; Dilated cardiomyopathy 1BB. Last evaluated: 2021-09-10. Review status: criteria provided, single submitter. Criteria: ACMG Guidelines, 2015. Collection method: clinical testing. Allele origin: unknown.

Literature cited by the submitters: PubMed 17576681 (cited by Labcorp Genetics (formerly Invitae), Labcorp); PubMed 9536098 (cited by Labcorp Genetics (formerly Invitae), Labcorp).

NM_001943.5(DSG2):c.45+5G>C

Genes: DSG2 (desmoglein 2; plus strand), LOC130062340 (ATAC-STARR-seq lymphoblastoid silent region 9384; plus strand). Cytogenetic location: 18q12.1.
Variant type: single nucleotide variant.
Coding change: c.45+5G>C on transcript NM_001943.5 (MANE Select); 5 bases into the intron after coding-DNA position 45, G replaced by C.
Molecular consequence: intron variant.
Genome position (GRCh38, 1-based): chr18:31,498,301, G>C. VCF-style: chr18-31498301-G-C. GRCh37 (hg19) VCF-style: chr18-29078264-G-C.
Identifiers: ClinVar variation 1359710 (VCV001359710.11), dbSNP rs1423214260, ClinGen allele CA778427674.